The following is an entry in ClinVar:

NM_001283009.2(RTEL1):c.895T>G (p.Phe299Val)

Genes: RTEL1 (regulator of telomere elongation helicase 1; plus strand), RTEL1-TNFRSF6B (RTEL1-TNFRSF6B readthrough (NMD candidate); plus strand). Cytogenetic location: 20q13.33.
Variant type: single nucleotide variant.
Coding change: c.895T>G on transcript NM_001283009.2 (MANE Select); coding-DNA position 895, T replaced by G.
Protein change: p.Phe299Val; replaces phenylalanine 299 with valine.
Molecular consequence: missense variant. On other transcripts: non-coding transcript variant (1).
Genome position (GRCh38, 1-based): chr20:63,674,069, T>G. VCF-style: chr20-63674069-T-G. GRCh37 (hg19) VCF-style: chr20-62305422-T-G.
Other names: c.226T>G, p.Phe76Val (NM_001283010.1); c.895T>G, p.Phe299Val (NM_016434.4); c.967T>G, p.Phe323Val (NM_032957.5); short protein forms F76V, F299V, F323V.
Identifiers: ClinVar variation 4629517 (VCV004629517.1).

ClinVar aggregate classification (germline): Uncertain significance (1 of 4 stars; one submission).

Conditions:
Inborn genetic diseases. Identifiers: MedGen C0950123, MeSH D030342.

gnomAD v4.1: 1 of 1,612,908 alleles (0.000062%); highest among the groups gnomAD compares: Admixed American, 0.0017%; no homozygotes.

Submission:

Ambry Genetics
Classification: Uncertain significance for Inborn genetic diseases. Last evaluated: 2025-09-27. Review status: criteria provided, single submitter. Criteria: Ambry Variant Classification Scheme 2023. Collection method: clinical testing. Allele origin: germline.
Comment: The p.F299V variant (also known as c.895T>G), located in coding exon 9 of the RTEL1 gene, results from a T to G substitution at nucleotide position 895. The phenylalanine at codon 299 is replaced by valine, an amino acid with highly similar properties. This amino acid position is conserved. In addition, this alteration is predicted to be tolerated by in silico analysis. Based on the available evidence, the clinical significance of this variant remains unclear.